The following is an entry in ClinVar:

NM_001134831.2(AHI1):c.74A>G (p.Asp25Gly)

Gene: AHI1 (Abelson helper integration site 1; minus strand). Cytogenetic location: 6q23.3.
Variant type: single nucleotide variant.
Coding change: c.74A>G on transcript NM_001134831.2 (MANE Select); coding-DNA position 74, A replaced by G.
Protein change: p.Asp25Gly; replaces aspartic acid 25 with glycine.
Molecular consequence: missense variant.
Genome position (GRCh38, 1-based): chr6:135,490,684, T>C on the plus strand (A>G on the coding strand, the complement: AHI1 is on the minus strand). VCF-style: chr6-135490684-T-C. GRCh37 (hg19) VCF-style: chr6-135811822-T-C.
Other names: p.Asp25Gly; c.74A>G, p.Asp25Gly (NM_001134830.2, NM_001134832.2, NM_001350503.2 and 2 more transcripts); short protein forms D25G.
Identifiers: ClinVar variation 285384 (VCV000285384.15), dbSNP rs778792339, ClinGen allele CA4012961.

ClinVar aggregate classification (germline): Uncertain significance. Review status: criteria provided, multiple submitters, no conflicts (2 of 4 stars). 6 submissions from 6 submitters: Uncertain significance (6). Last evaluated 2025-04-23.

Conditions:
Joubert syndrome. Also called: Familial aplasia of the vermis; JOUBERT-BOLTSHAUSER SYNDROME. Identifiers: Orphanet 475, MedGen C5979921, MONDO:0018772.
Joubert syndrome 3 (JBTS3). Also called: AHI1-related Ciliopathy. Identifiers: Orphanet 220493, MedGen C1837713, MONDO:0012078, OMIM 608629.

Allele frequency attached by ClinVar (database versions not stated): ExAC 0.00001; gnomAD exomes 0.00001 and 0.00004; gnomAD 0.00006; TOPMed 0.00007.
gnomAD v4.1: 31 of 1,613,298 alleles (0.0019%); highest among the groups gnomAD compares: Admixed American, 0.028%; 1 homozygote.

Submissions (6):

Mayo Clinic Laboratories, Mayo Clinic
Classification: Uncertain significance. Last evaluated: 2025-04-23. Review status: criteria provided, single submitter. Criteria: ACMG Guidelines, 2015. Collection method: clinical testing. Allele origin: germline. Observed: 1 variant allele.
Comment: BP4_moderate

Blueprint Genetics
Classification: Uncertain significance. Last evaluated: 2024-11-25. Review status: criteria provided, single submitter. Criteria: ACMG Guidelines, 2015. Collection method: clinical testing. Allele origin: germline.

Fulgent Genetics
Classification: Uncertain significance for Joubert syndrome 3. Last evaluated: 2024-05-23. Review status: criteria provided, single submitter. Criteria: ACMG Guidelines, 2015. Collection method: clinical testing. Allele origin: germline.

Labcorp Genetics (formerly Invitae), Labcorp
Classification: Uncertain significance for Joubert syndrome. Last evaluated: 2022-09-12. Review status: criteria provided, single submitter. Criteria: Invitae Variant Classification Sherloc (09022015). Collection method: clinical testing. Allele origin: germline.
Comment: This sequence change replaces aspartic acid, which is acidic and polar, with glycine, which is neutral and non-polar, at codon 25 of the AHI1 protein (p.Asp25Gly). This variant is present in population databases (rs778792339, gnomAD 0.03%). This variant has not been reported in the literature in individuals affected with AHI1-related conditions. ClinVar contains an entry for this variant (Variation ID: 285384). Advanced modeling of protein sequence and biophysical properties (such as structural, functional, and spatial information, amino acid conservation, physicochemical variation, residue mobility, and thermodynamic stability) performed at Invitae indicates that this missense variant is not expected to disrupt AHI1 protein function. In summary, the available evidence is currently insufficient to determine the role of this variant in disease. Therefore, it has been classified as a Variant of Uncertain Significance.

GeneDx
Classification: Uncertain significance. Last evaluated: 2016-12-01. Review status: criteria provided, single submitter. Criteria: GeneDx Variant Classification (06012015). Collection method: clinical testing. Allele origin: germline. Affected: yes.
Comment: A variant of uncertain significance has been identified in the AHI1 gene. The D25G variant has not been published as a pathogenic variant, nor has it been reported as a benign variant to our knowledge. It was not observed at a significant frequency in large population cohorts (Lek et al., 2016; 1000 Genomes Consortium et al., 2015; Exome Variant Server). The D25G variant is a non-conservative amino acid substitution, which is likely to impact secondary protein structure as these residues differ in polarity, charge, size and/or other properties. However, this substitution occurs at a position that is not conserved. In silico analysis is inconsistent in its predictions as to whether or not the D25G variant is damaging to the protein structure/function. Therefore, based on the currently available information, it is unclear whether this variant is a pathogenic variant or a rare benign variant.

Eurofins Ntd Llc (ga)
Classification: Uncertain significance. Last evaluated: 2016-01-20. Review status: criteria provided, single submitter. Criteria: EGL Classification Definitions 2015. Collection method: clinical testing. Allele origin: germline. Observed: 1 variant allele, 1 heterozygote.